The following is an entry in ClinVar:

NM_006231.4(POLE):c.1107-7A>G

Gene: POLE (DNA polymerase epsilon, catalytic subunit; minus strand). Cytogenetic location: 12q24.33.
Variant type: single nucleotide variant.
Coding change: c.1107-7A>G on transcript NM_006231.4 (MANE Select); 7 bases into the intron before coding-DNA position 1107, A replaced by G.
Molecular consequence: intron variant.
Genome position (GRCh38, 1-based): chr12:132,675,524, T>C on the plus strand (A>G on the coding strand, the complement: POLE is on the minus strand). VCF-style: chr12-132675524-T-C. GRCh37 (hg19) VCF-style: chr12-133252110-T-C.
Identifiers: ClinVar variation 1154114 (VCV001154114.10), dbSNP rs542371572, ClinGen allele CA6894069.

ClinVar aggregate classification (germline): Likely benign. Review status: criteria provided, multiple submitters, no conflicts (2 of 4 stars). 2 submissions from 2 submitters: Likely benign (2). Last evaluated 2026-01-11.

Conditions:
Colorectal cancer, susceptibility to, 12 (CRCS12). Also called: COLORECTAL CANCER, SUSCEPTIBILITY TO, ON CHROMOSOME 12q24. Identifiers: Orphanet 220460, MedGen C3554460, MONDO:0014038, OMIM 615083.

Allele frequency attached by ClinVar (database versions not stated): gnomAD exomes below 0.00001; ExAC 0.00001; gnomAD 0.00001; 1000 Genomes Project 30x 0.00016; 1000 Genomes Project 0.00020.
gnomAD v4.1: 1 of 1,613,960 alleles (0.000062%); highest among the groups gnomAD compares: Admixed American, 0.0017%; no homozygotes.

Submissions (2):

Labcorp Genetics (formerly Invitae), Labcorp
Classification: Likely benign. Last evaluated: 2026-01-11. Review status: criteria provided, single submitter. Criteria: Invitae Variant Classification Sherloc (09022015). Collection method: clinical testing. Allele origin: germline.

Myriad Genetics, Inc.
Classification: Likely benign for Colorectal cancer, susceptibility to, 12. Last evaluated: 2025-02-10. Review status: criteria provided, single submitter. Criteria: Myriad Autosomal Dominant, Autosomal Recessive and X-Linked Classification Criteria (2023). Collection method: clinical testing. Allele origin: unknown.
Comment: This variant is considered likely benign. This variant is intronic and is not expected to impact mRNA splicing.